The following is an entry in ClinVar:

NM_000170.3(GLDC):c.2202+6A>G

Gene: GLDC (glycine decarboxylase; minus strand). Cytogenetic location: 9p24.1.
Variant type: single nucleotide variant.
Coding change: c.2202+6A>G on transcript NM_000170.3 (MANE Select); 6 bases into the intron after coding-DNA position 2202, A replaced by G.
Molecular consequence: intron variant.
Genome position (GRCh38, 1-based): chr9:6,556,147, T>C on the plus strand (A>G on the coding strand, the complement: GLDC is on the minus strand). VCF-style: chr9-6556147-T-C. GRCh37 (hg19) VCF-style: chr9-6556147-T-C.
Identifiers: ClinVar variation 853927 (VCV000853927.10), dbSNP rs368418946, ClinGen allele CA4980360.

ClinVar aggregate classification (germline): Uncertain significance. Review status: criteria provided, multiple submitters, no conflicts (2 of 4 stars). 3 submissions from 3 submitters: Uncertain significance (2). 1 of the submissions does not count toward it. Last evaluated 2025-07-16.

Conditions:
Inborn genetic diseases. Identifiers: MedGen C0950123, MeSH D030342.
Glycine encephalopathy. Also called: Nonketotic hyperglycinemia; Non-ketotic hyperglycinemia. Identifiers: Orphanet 407, MedGen C0751748, MONDO:0011612, HP:0008288.

Allele frequency attached by ClinVar (database versions not stated): ExAC 0.00001; gnomAD 0.00001; gnomAD exomes 0.00001; TOPMed 0.00002; ESP Exome Variant Server 0.00008.
gnomAD v4.1: 17 of 1,610,578 alleles (0.0011%); highest among the groups gnomAD compares: Non-Finnish European, 0.0013%; no homozygotes.

Submissions (3):

Ambry Genetics
Classification: Uncertain significance for Inborn genetic diseases. Last evaluated: 2025-07-16. Review status: criteria provided, single submitter. Criteria: Ambry Variant Classification Scheme 2023. Collection method: clinical testing. Allele origin: germline.
Comment: The c.2202+6A>G intronic alteration consists of a A to G substitution nucleotides after coding exon 18 in the GLDC gene. Based on insufficient or conflicting evidence, the clinical significance of this alteration remains unclear.

Labcorp Genetics (formerly Invitae), Labcorp
Classification: Uncertain significance for Glycine encephalopathy. Last evaluated: 2025-01-19. Review status: criteria provided, single submitter. Criteria: Invitae Variant Classification Sherloc (09022015). Collection method: clinical testing. Allele origin: germline.
Comment: This sequence change falls in intron 18 of the GLDC gene. It does not directly change the encoded amino acid sequence of the GLDC protein. It affects a nucleotide within the consensus splice site. This variant is present in population databases (rs368418946, gnomAD 0.003%). This variant has not been reported in the literature in individuals affected with GLDC-related conditions. ClinVar contains an entry for this variant (Variation ID: 853927). Variants that disrupt the consensus splice site are a relatively common cause of aberrant splicing (PMID: 17576681, 9536098). Algorithms developed to predict the effect of sequence changes on RNA splicing suggest that this variant is not likely to affect RNA splicing. In summary, the available evidence is currently insufficient to determine the role of this variant in disease. Therefore, it has been classified as a Variant of Uncertain Significance.

Natera, Inc.
Classification: Uncertain significance for Non-ketotic hyperglycinemia. Last evaluated: 2020-01-31. Review status: no assertion criteria provided. Collection method: clinical testing. Allele origin: germline. Not counted in ClinVar's aggregate classification.

Literature cited by the submitters: PubMed 17576681 (cited by Labcorp Genetics (formerly Invitae), Labcorp); PubMed 9536098 (cited by Labcorp Genetics (formerly Invitae), Labcorp).